The following is an entry in ClinVar:

NM_000545.8(HNF1A):c.392G>T (p.Arg131Leu)

Gene: HNF1A (HNF1 homeobox A; plus strand). Cytogenetic location: 12q24.31.
Variant type: single nucleotide variant.
Coding change: c.392G>T on transcript NM_000545.8 (MANE Select); coding-DNA position 392, G replaced by T.
Protein change: p.Arg131Leu; replaces arginine 131 with leucine.
Molecular consequence: missense variant.
Genome position (GRCh38, 1-based): chr12:120,988,898, G>T. VCF-style: chr12-120988898-G-T. GRCh37 (hg19) VCF-style: chr12-121426701-G-T.
Other names: NM_000545.6(HNF1A):c.392G>T; p.Arg131Leu; NM_000545.8(HNF1A):c.392G>T; c.392G>T, p.Arg131Leu (NM_001306179.2); short protein forms R131L.
Identifiers: ClinVar variation 447488 (VCV000447488.6), dbSNP rs753998395, ClinGen allele CA386959454.

ClinVar aggregate classification (germline): Likely pathogenic. Review status: reviewed by expert panel (3 of 4 stars). 2 submissions from 2 submitters: Likely pathogenic (1). 1 of the submissions does not count toward it. Last evaluated 2025-09-02.

Conditions:
Monogenic diabetes. Identifiers: Orphanet 183625, MedGen C3888631, MONDO:0015967.

Submissions (2):

ClinGen Monogenic Diabetes Variant Curation Expert Panel
Classification: Likely pathogenic for Monogenic diabetes. Last evaluated: 2025-09-02. Review status: reviewed by expert panel. Criteria: ClinGen Diabetes ACMG Specifications HNF1A V3.0.0. Collection method: curation. Allele origin: germline. Inheritance: Autosomal dominant inheritance.
Comment: The c.392G>T variant in the HNF1 homeobox A gene, HNF1A, causes an amino acid change of arginine to leucine at codon 131 (p.(Arg131Leu)) of NM_000545.8. This variant resides in an amino acid within the HNF1α DNA binding domain that directly binds DNA, which is defined as critical for the protein’s function by the ClinGen MDEP (PM1), and is predicted to be deleterious by computational evidence, with a REVEL score of 0.994, which is greater than the MDEP threshold of 0.70 (PP3). Two other missense variants, c.392G>A (p.Arg131Gln) and c.391C>T (p.Arg131Trp), have been interpreted as pathogenic by the ClinGen MDEP (PM5_Strong). This variant is absent from gnomAD v4.1.0 (PM2_Supporting). This variant was identified in an individual with non-autoimmune and non-absolute/near-absolute insulin-deficient diabetes; however, PS4 cannot be applied because this number is below the ClinGen MDEP threshold (ClinVar ID: 447488). Taken together, this evidence supports the classification of this variant as likely pathogenic for monogenic diabetes. ACMG/AMP criteria applied, as specified by the ClinGen MDEP VCEP (specification version 3.0.0, approved 6/30/2025): PM5_Strong, PM1, PP3, PM2_Supporting.

Athena Diagnostics
Classification: Likely pathogenic. Last evaluated: 2023-02-08. Review status: criteria provided, single submitter. Criteria: Athena Diagnostics Criteria. Collection method: clinical testing. Allele origin: unknown. Not counted in ClinVar's aggregate classification.
Comment: This variant has been identified in at least one individual with clinical features associated with this gene. This variant has not been reported in large, multi-ethnic general populations. At least one other missense variant at this codon is considered to be pathogenic or likely pathogenic, suggesting this variant may also cause disease. The variant is located in a region that is considered important for protein function and/or structure. Computational tools predict that this variant is damaging.